The following is an entry in ClinVar:

NM_004415.4(DSP):c.1963A>T (p.Ile655Phe)

Gene: DSP (desmoplakin; plus strand). Cytogenetic location: 6p24.3.
Variant type: single nucleotide variant.
Coding change: c.1963A>T on transcript NM_004415.4 (MANE Select); coding-DNA position 1963, A replaced by T.
Protein change: p.Ile655Phe; replaces isoleucine 655 with phenylalanine.
Molecular consequence: missense variant.
Genome position (GRCh38, 1-based): chr6:7,571,901, A>T. VCF-style: chr6-7571901-A-T. GRCh37 (hg19) VCF-style: chr6-7572134-A-T.
Other names: c.1963A>T (NM_004415.3); c.1963A>T, p.Ile655Phe (NM_001008844.3, NM_001319034.2); short protein forms I655F.
Identifiers: ClinVar variation 1313106 (VCV001313106.7), dbSNP rs148868379, ClinGen allele CA030945.
Genomic context (GRCh38, chr6:7,571,901, plus strand): 5'-GTGACCACAACTGAAATCACTCATCATGGAACCTGCCAAGATGTCAACCATAATAAAGTA[A>T]TTGAAACCAACAGAGAAAATGACAAGCAAGAAACATGGATGCTGATGGAGCTGCAGAAGA-3'
Protein context (NP_004406.2, residues 645-665): TCQDVNHNKV[Ile655Phe]ETNRENDKQE

ClinVar aggregate classification (germline): Conflicting classifications of pathogenicity. Review status: criteria provided, conflicting classifications (1 of 4 stars). 4 submissions from 4 submitters: Uncertain significance (3); Likely benign (1). Last evaluated 2025-11-27.

Conditions:
Arrhythmogenic right ventricular dysplasia 8 (ARVD8). Also called: Arrhythmogenic Right Ventricular Dysplasia/Cardiomyopathy 8; ARRHYTHMOGENIC RIGHT VENTRICULAR DYSPLASIA, FAMILIAL, 8; ARRHYTHMOGENIC RIGHT VENTRICULAR CARDIOMYOPATHY 8. Identifiers: MedGen C1843896, MONDO:0011831, OMIM 607450.
Arrhythmogenic cardiomyopathy with wooly hair and keratoderma. Also called: PALMOPLANTAR KERATODERMA WITH LEFT VENTRICULAR CARDIOMYOPATHY AND WOOLLY HAIR; Carvajal syndrome; Dilated cardiomyopathy with woolly hair and keratoderma; Arrhythmogenic cardiomyopathy with woolly hair and keratoderma. Identifiers: Orphanet 65282, MedGen C1854063, MONDO:0011581, OMIM 605676.
DSP-related disorder. Also called: DSP-related condition; DSP-related disorders.
Cardiovascular phenotype. Identifiers: MedGen CN230736.

Allele frequency attached by ClinVar (database versions not stated): gnomAD exomes below 0.00001; ExAC 0.00001; gnomAD 0.00003 and 0.00004; TOPMed 0.00003; ESP Exome Variant Server 0.00008.
gnomAD v4.1: 5 of 1,613,982 alleles (0.00031%); highest among the groups gnomAD compares: Admixed American, 0.005%; no homozygotes.

Submissions (4):

Labcorp Genetics (formerly Invitae), Labcorp
Classification: Likely benign for Arrhythmogenic cardiomyopathy with wooly hair and keratoderma; Arrhythmogenic right ventricular dysplasia 8. Last evaluated: 2025-11-27. Review status: criteria provided, single submitter. Criteria: Invitae Variant Classification Sherloc (09022015). Collection method: clinical testing. Allele origin: germline.

PreventionGenetics, part of Exact Sciences
Classification: Uncertain significance for DSP-related condition. Last evaluated: 2025-04-23. Review status: criteria provided, single submitter. Criteria: ACMG Guidelines, 2015. Collection method: clinical testing. Allele origin: germline.
Comment: The DSP c.1963A>T variant is predicted to result in the amino acid substitution p.Ile655Phe. To our knowledge, this variant has not been reported in the literature. This variant is reported in 0.0029% of alleles in individuals of Latino descent in gnomAD. At this time, the clinical significance of this variant is uncertain due to the absence of conclusive functional and genetic evidence.

Ambry Genetics
Classification: Uncertain significance for Cardiovascular phenotype. Last evaluated: 2024-08-11. Review status: criteria provided, single submitter. Criteria: Ambry Variant Classification Scheme 2023. Collection method: clinical testing. Allele origin: germline.

GeneDx
Classification: Uncertain significance. Last evaluated: 2020-07-14. Review status: criteria provided, single submitter. Criteria: GeneDx Variant Classification Process June 2021. Collection method: clinical testing. Allele origin: germline. Affected: yes.
Comment: Has not been previously published as pathogenic or benign to our knowledge; Not observed at a significant frequency in large population cohorts (Lek et al., 2016); In silico analysis supports that this missense variant does not alter protein structure/function